The following is an entry in ClinVar:

ClinVar aggregate classification (germline): Uncertain significance (1 of 4 stars; one submission).

Conditions:
Familial adenomatous polyposis 1 (FAP1). Also called: FAMILIAL ADENOMATOUS POLYPOSIS 1, ATTENUATED; POLYPOSIS, ADENOMATOUS INTESTINAL. Identifiers: MedGen C2713442, MONDO:0021056, OMIM 175100. Disease mechanism: loss of function.

Allele frequency attached by ClinVar (database versions not stated): TOPMed below 0.00001; gnomAD exomes below 0.00001 and 0.00001.
gnomAD v4.1: 2 of 1,370,262 alleles (0.00015%); highest among the groups gnomAD compares: Non-Finnish European, 0.00019%; no homozygotes.

Submission:

Labcorp Genetics (formerly Invitae), Labcorp
Classification: Uncertain significance for Familial adenomatous polyposis 1. Last evaluated: 2025-12-29. Review status: criteria provided, single submitter. Criteria: Invitae Variant Classification Sherloc (09022015). Collection method: clinical testing. Allele origin: germline.
Comment: This variant occurs in a non-coding region of the APC gene. It does not change the encoded amino acid sequence of the APC protein. This variant is present in population databases (no rsID available, gnomAD 0.004%). This variant has not been reported in the literature in individuals affected with APC-related conditions. Experimental studies and prediction algorithms are not available or were not evaluated, and the functional significance of this variant is currently unknown. In summary, the available evidence is currently insufficient to determine the role of this variant in disease. Therefore, it has been classified as a Variant of Uncertain Significance.

NM_001127511.3(APC):c.-44G>A

Gene: APC (APC regulator of Wnt signaling pathway; plus strand). Cytogenetic location: 5q22.2.
Variant type: single nucleotide variant.
Coding change: c.-44G>A on transcript NM_001127511.3; 44 bases upstream of the start codon, G replaced by A.
Molecular consequence: 5 prime UTR variant. On other transcripts: non-coding transcript variant (1), intron variant (5).
Genome position (GRCh38, 1-based): chr5:112,707,674, G>A. VCF-style: chr5-112707674-G-A. GRCh37 (hg19) VCF-style: chr5-112043371-G-A.
Other names: c.-227G>A (NM_001354895.2, NM_001407447.1, NM_001407452.1 and 3 more transcripts); c.-44G>A (NM_001354897.2, NM_001354902.2, NM_001407446.1); c.-1262G>A (NM_001407470.1, NM_001407472.1); c.-19+25G>A (NM_001407448.1, NM_001407450.1, NM_001407457.1 and 1 more transcripts); c.-43+25G>A (NM_001407453.1).
Identifiers: ClinVar variation 1035128 (VCV001035128.9), dbSNP rs1162218041, ClinGen allele CA561890263.